The following is an entry in ClinVar:

NM_032608.7(MYO18B):c.7100_7107dup (p.Thr2370fs)

Gene: MYO18B (myosin XVIIIB; plus strand). Cytogenetic location: 22q12.1.
Variant type: Duplication.
Coding change: c.7100_7107dup on transcript NM_032608.7 (MANE Select); coding-DNA positions 7100 to 7107, 8 bases duplicated (CTCCGACC; older notation c.7100_7107dupCTCCGACC).
Protein change: p.Thr2370fs; shifts the reading frame from threonine 2370.
Molecular consequence: frameshift variant.
Genome position (GRCh38, 1-based): chr22:26,027,074-26,027,081, CTCCGACC duplicated. VCF-style (leftmost placement, unchanged base first): chr22-26027073-T-TCTCCGACC. GRCh37 (hg19) VCF-style: chr22-26423039-T-TCTCCGACC.
Other names: c.7103_7110dup, p.Thr2371fs (NM_001318245.2); short protein forms T2371fs, T2370fs.
Identifiers: ClinVar variation 2873624 (VCV002873624.3), dbSNP rs2518433950, ClinGen allele CA2577710063.
Genomic context (GRCh38, chr22:26,027,073, plus strand): 5'-CAATTCAGTTCCTGCGAGTCCCTCTTAGAATCCAGACCGAGCATGGGGAGAAAACTGAGC[T>TCTCCGACC]CTCCGACCACACCCAGGGACATGCTGTTGTCGCCCACACTGCGTCCTCGGAGGCGGTGTC-3'

ClinVar aggregate classification (germline): Pathogenic (1 of 4 stars; one submission).

Submission:

Labcorp Genetics (formerly Invitae), Labcorp
Classification: Pathogenic. Last evaluated: 2023-10-05. Review status: criteria provided, single submitter. Criteria: Invitae Variant Classification Sherloc (09022015). Collection method: clinical testing. Allele origin: germline.
Comment: This sequence change creates a premature translational stop signal (p.Thr2370Leufs*48) in the MYO18B gene. It is expected to result in an absent or disrupted protein product. Loss-of-function variants in MYO18B are known to be pathogenic (PMID: 25748484, 32184166, 32637634). This variant is not present in population databases (gnomAD no frequency). This variant has not been reported in the literature in individuals affected with MYO18B-related conditions. For these reasons, this variant has been classified as Pathogenic.

Literature cited by the submitters: PubMed 25748484; PubMed 32184166; PubMed 32637634.